The following is an entry in ClinVar:

NM_020632.3(ATP6V0A4):c.1047C>A (p.Ser349=)

Gene: ATP6V0A4 (ATPase H+ transporting V0 subunit a4; minus strand). Cytogenetic location: 7q34.
Variant type: single nucleotide variant.
Coding change: c.1047C>A on transcript NM_020632.3 (MANE Select); coding-DNA position 1047, C replaced by A.
Protein change: p.Ser349=; no amino-acid change (serine 349 retained).
Molecular consequence: synonymous variant.
Genome position (GRCh38, 1-based): chr7:138,749,300, G>T on the plus strand (C>A on the coding strand, the complement: ATP6V0A4 is on the minus strand). VCF-style: chr7-138749300-G-T. GRCh37 (hg19) VCF-style: chr7-138434045-G-T.
Other names: c.1047C>A, p.Ser349= (NM_130840.3, NM_130841.3); c.1047C>A (NM_020632.2).
Identifiers: ClinVar variation 4802767 (VCV004802767.2).

ClinVar aggregate classification (germline): Benign/Likely benign. Review status: criteria provided, multiple submitters, no conflicts (2 of 4 stars). 2 submissions from 2 submitters: Benign (1); Likely benign (1). Last evaluated 2025-11-26.

Conditions:
ATP6V0A4-related disorder. Also called: ATP6V0A4-related condition.

gnomAD v4.1: 103 of 1,610,596 alleles (0.0064%); highest among the groups gnomAD compares: South Asian, 0.085%; 1 homozygote.

Submissions (2):

Labcorp Genetics (formerly Invitae), Labcorp
Classification: Benign. Last evaluated: 2025-11-26. Review status: criteria provided, single submitter. Criteria: Invitae Variant Classification Sherloc (09022015). Collection method: clinical testing. Allele origin: germline.

PreventionGenetics, part of Exact Sciences
Classification: Likely benign for ATP6V0A4-related condition. Last evaluated: 2025-01-23. Review status: criteria provided, single submitter. Criteria: ACMG Guidelines, 2015. Collection method: clinical testing. Allele origin: germline.
Comment: This variant is classified as likely benign based on ACMG/AMP sequence variant interpretation guidelines (Richards et al. 2015 PMID: 25741868, with internal and published modifications).